The following is an entry in ClinVar:

NM_004963.4(GUCY2C):c.2816G>A (p.Arg939His)

Genes: GUCY2C (guanylate cyclase 2C; minus strand), PLBD1-AS1 (PLBD1 antisense RNA 1; plus strand). Cytogenetic location: 12p12.3.
Variant type: single nucleotide variant.
Coding change: c.2816G>A on transcript NM_004963.4 (MANE Select); coding-DNA position 2816, G replaced by A.
Protein change: p.Arg939His; replaces arginine 939 with histidine.
Molecular consequence: missense variant. On other transcripts: non-coding transcript variant (1).
Genome position (GRCh38, 1-based): chr12:14,619,270, C>T on the plus strand (G>A on the coding strand, the complement: GUCY2C is on the minus strand). VCF-style: chr12-14619270-C-T. GRCh37 (hg19) VCF-style: chr12-14772204-C-T.
Other names: short protein forms R939H.
Identifiers: ClinVar variation 2619406 (VCV002619406.5), dbSNP rs578057898, ClinGen allele CA6462970.

ClinVar aggregate classification (germline): Uncertain significance. Review status: criteria provided, multiple submitters, no conflicts (2 of 4 stars). 2 submissions from 2 submitters: Uncertain significance (2). Last evaluated 2025-10-31.

Conditions:
Inborn genetic diseases. Identifiers: MedGen C0950123, MeSH D030342.

Allele frequency attached by ClinVar (database versions not stated): gnomAD exomes 0.00003; gnomAD 0.00004; ExAC 0.00001; TOPMed 0.00002.
gnomAD v4.1: 43 of 1,612,880 alleles (0.0027%); highest among the groups gnomAD compares: Non-Finnish European, 0.0031%; no homozygotes.

Submissions (2):

Labcorp Genetics (formerly Invitae), Labcorp
Classification: Uncertain significance. Last evaluated: 2025-10-31. Review status: criteria provided, single submitter. Criteria: Invitae Variant Classification Sherloc (09022015). Collection method: clinical testing. Allele origin: germline.
Comment: This sequence change replaces arginine, which is basic and polar, with histidine, which is basic and polar, at codon 939 of the GUCY2C protein (p.Arg939His). This variant is present in population databases (rs578057898, gnomAD 0.004%). This variant has not been reported in the literature in individuals affected with GUCY2C-related conditions. ClinVar contains an entry for this variant (Variation ID: 2619406). Invitae Evidence Modeling of protein sequence and biophysical properties (such as structural, functional, and spatial information, amino acid conservation, physicochemical variation, residue mobility, and thermodynamic stability) has been performed for this missense variant. However, the output from this modeling did not meet the statistical confidence thresholds required to predict the impact of this variant on GUCY2C protein function. In summary, the available evidence is currently insufficient to determine the role of this variant in disease. Therefore, it has been classified as a Variant of Uncertain Significance.

Ambry Genetics
Classification: Uncertain significance for Inborn genetic diseases. Last evaluated: 2023-08-19. Review status: criteria provided, single submitter. Criteria: Ambry Variant Classification Scheme 2023. Collection method: clinical testing. Allele origin: germline.